The following is an entry in ClinVar:

NM_000432.4(MYL2):c.374C>T (p.Thr125Met)

Gene: MYL2 (myosin light chain 2; minus strand). Cytogenetic location: 12q24.11.
Variant type: single nucleotide variant.
Coding change: c.374C>T on transcript NM_000432.4 (MANE Select); coding-DNA position 374, C replaced by T.
Protein change: p.Thr125Met; replaces threonine 125 with methionine.
Molecular consequence: missense variant.
Genome position (GRCh38, 1-based): chr12:110,913,124, G>A on the plus strand (C>T on the coding strand, the complement: MYL2 is on the minus strand). VCF-style: chr12-110913124-G-A. GRCh37 (hg19) VCF-style: chr12-111350928-G-A.
Other names: p.T125M:ACG>ATG; short protein forms T125M.
Identifiers: ClinVar variation 43473 (VCV000043473.30), dbSNP rs375667565, ClinGen allele CA010229.

ClinVar aggregate classification (germline): Conflicting classifications of pathogenicity. Review status: criteria provided, conflicting classifications (1 of 4 stars). 10 submissions from 10 submitters: Uncertain significance (7); Likely benign (1). 2 of the submissions do not count toward it. Last evaluated 2025-12-14.

Conditions:
Cardiovascular phenotype. Identifiers: MedGen CN230736.
Cardiomyopathy (CMYO). Also called: Cardiomyopathies. Identifiers: Orphanet 167848, MedGen C0878544, MONDO:0004994, HP:0001638. Inheritance: Various modes of inheritance.
Hypertrophic cardiomyopathy 10. Also called: CARDIOMYOPATHY, HYPERTROPHIC, MID-LEFT VENTRICULAR CHAMBER TYPE, 2; MYL2-Related Familial Hypertrophic Cardiomyopathy. Identifiers: MedGen C1834460, MONDO:0012112, OMIM 608758.
Hypertrophic cardiomyopathy. Also called: HYPERTROPHIC MYOCARDIOPATHY. Identifiers: Orphanet 217569, MedGen C0007194, MeSH D002312, MONDO:0005045, HP:0001639.

Allele frequency attached by ClinVar (database versions not stated): TOPMed 0.00002; ExAC 0.00004; ESP Exome Variant Server 0.00008; gnomAD 0.00009; 1000 Genomes Project 30x 0.00016.
gnomAD v4.1: 65 of 1,614,208 alleles (0.004%); highest among the groups gnomAD compares: East Asian, 0.0045%; no homozygotes.

Submissions (10):

Labcorp Genetics (formerly Invitae), Labcorp
Classification: Uncertain significance for Hypertrophic cardiomyopathy 10. Last evaluated: 2025-12-14. Review status: criteria provided, single submitter. Criteria: Invitae Variant Classification Sherloc (09022015). Collection method: clinical testing. Allele origin: germline.
Comment: This sequence change replaces threonine, which is neutral and polar, with methionine, which is neutral and non-polar, at codon 125 of the MYL2 protein (p.Thr125Met). This variant is present in population databases (rs375667565, gnomAD 0.1%). This missense change has been observed in individual(s) with hypertrophic cardiomyopathy (PMID: 27532257, 33297573, 34598319, 35626289, 37652022). ClinVar contains an entry for this variant (Variation ID: 43473). An algorithm developed to predict the effect of missense changes on protein structure and function (PolyPhen-2) suggests that this variant is likely to be disruptive. In summary, the available evidence is currently insufficient to determine the role of this variant in disease. Therefore, it has been classified as a Variant of Uncertain Significance.

Color Diagnostics, LLC DBA Color Health
Classification: Uncertain significance for Cardiomyopathy. Last evaluated: 2025-11-21. Review status: criteria provided, single submitter. Criteria: ACMG Guidelines, 2015. Collection method: clinical testing. Allele origin: germline.
Comment: This missense variant replaces threonine with methionine at codon 125 of the MYL2 protein. Computational prediction suggests that this variant may have deleterious impact on protein structure and function. To our knowledge, functional studies have not been reported for this variant. This variant has been reported in individuals affected with hypertrophic cardiomyopathy (PMID: 27532257, 33297573, 34598319, 35626289, 37652022). This variant has been identified in 65/1614208 chromosomes in the general population by the Genome Aggregation Database (gnomAD). The available evidence is insufficient to determine the role of this variant in disease conclusively. Therefore, this variant is classified as a Variant of Uncertain Significance.

Blueprint Genetics
Classification: Likely benign. Last evaluated: 2024-08-30. Review status: criteria provided, single submitter. Criteria: ACMG Guidelines, 2015. Collection method: clinical testing. Allele origin: germline.

All of Us Research Program, National Institutes of Health
Classification: Uncertain significance for Hypertrophic cardiomyopathy. Last evaluated: 2024-05-14. Review status: criteria provided, single submitter. Criteria: ACMG Guidelines, 2015. Collection method: clinical testing. Allele origin: germline. Inheritance: Autosomal dominant inheritance. Observed: 5 variant alleles, 5 heterozygotes.
Comment: This missense variant replaces threonine with methionine at codon 125 of the MYL2 protein. Computational prediction suggests that this variant may have deleterious impact on protein structure and function (internally defined REVEL score threshold >= 0.7, PMID: 27666373). To our knowledge, functional studies have not been reported for this variant. This variant has been reported in two individuals affected with hypertrophic cardiomyopathy (PMID: 27532257, 33297573). This variant has also been identified in 30/282890 chromosomes in the general population by the Genome Aggregation Database (gnomAD). The available evidence is insufficient to determine the role of this variant in disease conclusively. Therefore, this variant is classified as a Variant of Uncertain Significance.

This study involves interpretation of variants in research participants for the purpose of population health screening. Participant phenotype was not available at the time of variant classification. Additional details can be found in publication PMID: 35346344, PMCID: PMC8962531

Revvity Omics, Revvity
Classification: Uncertain significance. Last evaluated: 2023-08-17. Review status: criteria provided, single submitter. Criteria: ACMG Guidelines, 2015. Collection method: clinical testing. Allele origin: germline.

GeneDx
Classification: Uncertain significance. Last evaluated: 2019-06-26. Review status: criteria provided, single submitter. Criteria: GeneDx Variant Classification Process June 2021. Collection method: clinical testing. Allele origin: germline. Affected: yes.
Comment: Has not been previously published as pathogenic or benign to our knowledge; In silico analysis, which includes protein predictors and evolutionary conservation, supports a deleterious effect; Reported in ClinVar (ClinVar Variant ID 43473; Landrum et al., 2016); This variant is associated with the following publications: (PMID: 33297573)

Ambry Genetics
Classification: Uncertain significance for Cardiovascular phenotype. Last evaluated: 2018-01-17. Review status: criteria provided, single submitter. Criteria: Ambry Variant Classification Scheme 2023. Collection method: clinical testing. Allele origin: germline.

Laboratory for Molecular Medicine, Mass General Brigham Personalized Medicine
Classification: Uncertain significance. Last evaluated: 2011-12-27. Review status: criteria provided, single submitter. Criteria: LMM Criteria. Collection method: clinical testing. Allele origin: germline. Observed: 2 variant alleles.
Comment: Variant classified as Uncertain Significance - Favor Benign. The Thr125Met varia nt in MYL2 has been identified in 1/8600 European American chromosomes by the NH LBI Exome Sequencing Project. Computational analyses (biochemical amino acid properties, conservation, A lignGVGD, PolyPhen2, and SIFT) do not provide strong support for or against an i mpact to the protein. Additional studies are needed to fully assess its clinical significance.

Diagnostic Laboratory, Department of Genetics, University Medical Center Groningen
Classification: Uncertain significance. Review status: no assertion criteria provided. Collection method: clinical testing. Allele origin: germline. Affected: yes. Study: VKGL Data-share Consensus. Not counted in ClinVar's aggregate classification.

Joint Genome Diagnostic Labs from Nijmegen and Maastricht, Radboudumc and MUMC+
Classification: Uncertain significance. Review status: no assertion criteria provided. Collection method: clinical testing. Allele origin: germline. Affected: yes. Study: VKGL Data-share Consensus. Not counted in ClinVar's aggregate classification.

Literature cited by the submitters: PubMed 27532257 (cited by 3 submitters); PubMed 33297573 (cited by 3 submitters); PubMed 34598319 (cited by Labcorp Genetics (formerly Invitae), Labcorp and Color Diagnostics, LLC DBA Color Health); PubMed 35626289 (cited by Labcorp Genetics (formerly Invitae), Labcorp and Color Diagnostics, LLC DBA Color Health); PubMed 37652022 (cited by Labcorp Genetics (formerly Invitae), Labcorp and Color Diagnostics, LLC DBA Color Health).